The following is an entry in ClinVar:

ClinVar aggregate classification (germline): Uncertain significance (1 of 4 stars; one submission).

Submission:

GeneDx
Classification: Uncertain significance. Last evaluated: 2024-03-21. Review status: criteria provided, single submitter. Criteria: GeneDx Variant Classification Process June 2021. Collection method: clinical testing. Allele origin: germline. Affected: yes.
Comment: Not observed at significant frequency in large population cohorts (gnomAD); Frameshift variant predicted to result in protein truncation or nonsense mediated decay in a gene or region of a gene for which loss of function is not a well-established mechanism of disease; Has not been previously published as pathogenic or benign to our knowledge

NM_001220.5(CAMK2B):c.814dup (p.Val272fs)

Gene: CAMK2B (calcium/calmodulin dependent protein kinase II beta; minus strand). Cytogenetic location: 7p13.
Variant type: Duplication.
Coding change: c.814dup on transcript NM_001220.5 (MANE Select); coding-DNA position 814, one base duplicated (G; older notation c.814dupG).
Protein change: p.Val272fs; shifts the reading frame from valine 272.
Molecular consequence: frameshift variant.
Genome position (GRCh38, 1-based): chr7:44,242,223, C duplicated on the plus strand (G on the coding strand, the reverse complement: CAMK2B is on the minus strand); the first of 3 consecutive C bases (chr7:44,242,223-44,242,225); duplicating any one gives the same sequence. VCF-style (leftmost placement, unchanged base first): chr7-44242222-A-AC. GRCh37 (hg19) VCF-style: chr7-44281821-A-AC.
Other names: c.814dup, p.Val272fs (NM_001293170.2, NM_172078.3, NM_172079.3 and 5 more transcripts); short protein forms V272fs.
Identifiers: ClinVar variation 3340997 (VCV003340997.1).
Genomic context (GRCh38, chr7:44,242,222, plus strand): 5'-TGAGGCCATCTCCACCAGGAGCCCCCTCCCCACCATGGGCACCAAGGGCGACTCACGCAG[A>AC]CCCACGGGTGCTTCAGGGCCTCATGGGCTGTGATGCGCTTGGCAGGGTTGATGGTCAGCA-3'